The following is an entry in ClinVar:

ClinVar aggregate classification (germline): Uncertain significance (1 of 4 stars; one submission).

Submission:

Mayo Clinic Laboratories, Mayo Clinic
Classification: Uncertain significance. Last evaluated: 2024-05-01. Review status: criteria provided, single submitter. Criteria: ACMG Guidelines, 2015. Collection method: clinical testing. Allele origin: germline. Observed: 1 variant allele.
Comment: PM2

NM_001364905.1(LRBA):c.463A>G (p.Met155Val)

Gene: LRBA (LPS responsive beige-like anchor protein; minus strand). Cytogenetic location: 4q31.3.
Variant type: single nucleotide variant.
Coding change: c.463A>G on transcript NM_001364905.1 (MANE Select); coding-DNA position 463, A replaced by G.
Protein change: p.Met155Val; replaces methionine 155 with valine.
Molecular consequence: missense variant.
Genome position (GRCh38, 1-based): chr4:150,928,602, T>C on the plus strand (A>G on the coding strand, the complement: LRBA is on the minus strand). VCF-style: chr4-150928602-T-C. GRCh37 (hg19) VCF-style: chr4-151849754-T-C.
Other names: p.Met155Val; c.463A>G, p.Met155Val (NM_001199282.3, NM_001367550.1, NM_006726.5); short protein forms M155V.
Identifiers: ClinVar variation 3379562 (VCV003379562.1).